The following is an entry in ClinVar:

ClinVar aggregate classification (germline): Uncertain significance (0 of 4 stars; one submission).

Conditions:
Deficiency of guanidinoacetate methyltransferase (CCDS2). Also called: GAMT DEFICIENCY; CEREBRAL CREATINE DEFICIENCY SYNDROME 2; Guanidinoacetate Methyltransferase (GAMT) Deficiency. Identifiers: Orphanet 382, MedGen C0574080, MONDO:0012999, OMIM 612736.

Submission:

Hong-Tao Li Lab, Institute of Brain Science and Brain-inspired Research, Shandong First Medical University & Shandong Academy of Medical Sciences China
Classification: Uncertain significance for Deficiency of guanidinoacetate methyltransferase. Review status: no assertion criteria provided. Collection method: research. Allele origin: germline. Inheritance: Autosomal recessive inheritance. Affected: yes. Observed: 1 variant allele, 1 homozygote.
Comment: Observed in affected individuals from a Pakistani neurodevelopmental-disorder research cohort of 263 individuals. Classification assigned using the ACMG/AMP framework.

NM_000156.6(GAMT):c.566T>C (p.Phe189Ser)

Gene: GAMT (guanidinoacetate N-methyltransferase; minus strand). Cytogenetic location: 19p13.3.
Variant type: single nucleotide variant.
Coding change: c.566T>C on transcript NM_000156.6 (MANE Select); coding-DNA position 566, T replaced by C.
Protein change: p.Phe189Ser; replaces phenylalanine 189 with serine.
Molecular consequence: missense variant.
Genome position (GRCh38, 1-based): chr19:1,398,920, A>G on the plus strand (T>C on the coding strand, the complement: GAMT is on the minus strand). VCF-style: chr19-1398920-A-G. GRCh37 (hg19) VCF-style: chr19-1398919-A-G.
Other names: c.566T>C, p.Phe189Ser (NM_138924.3); short protein forms F189S.
Identifiers: ClinVar variation 4884804 (VCV004884804.1).